The following is an entry in ClinVar:

NM_000384.3(APOB):c.293C>T (p.Thr98Ile)

Gene: APOB (apolipoprotein B; minus strand). Cytogenetic location: 2p24.1.
Variant type: single nucleotide variant.
Coding change: c.293C>T on transcript NM_000384.3 (MANE Select); coding-DNA position 293, C replaced by T.
Protein change: p.Thr98Ile; replaces threonine 98 with isoleucine.
Molecular consequence: missense variant.
Genome position (GRCh38, 1-based): chr2:21,041,028, G>A on the plus strand (C>T on the coding strand, the complement: APOB is on the minus strand). VCF-style: chr2-21041028-G-A. GRCh37 (hg19) VCF-style: chr2-21263900-G-A.
Other names: p.Thr98Ile; short protein forms T98I.
Identifiers: ClinVar variation 128422 (VCV000128422.42), dbSNP rs1367117, ClinGen allele CA022817.

ClinVar aggregate classification (germline): Benign/Likely benign. Review status: criteria provided, multiple submitters, no conflicts (2 of 4 stars). 23 submissions from 21 submitters: Benign (14); Likely benign (4). 5 of the submissions do not count toward it. Last evaluated 2026-02-04.

Conditions:
Cardiovascular phenotype. Identifiers: MedGen CN230736.
Hypercholesterolemia, autosomal dominant, type B (FHCL2). Also called: Familial Hypercholesterolemia Type B; APOLIPOPROTEIN B-100, FAMILIAL DEFECTIVE; APOLIPOPROTEIN B-100, FAMILIAL LIGAND-DEFECTIVE; HYPERCHOLESTEROLEMIA, FAMILIAL, DUE TO LIGAND-DEFECTIVE APOLIPOPROTEIN B; Hyperlipoproteinemia Type IIb; Familial hypercholesterolemia 2. Identifiers: MedGen C1704417, MONDO:0007751, OMIM 144010.
Familial hypobetalipoproteinemia 1. Also called: Hypobetalipoproteinemia, normotriglyceridemic; Acanthocytosis with hypobetalipoproteinemia; APOB-Related Familial Hypobetalipoproteinemia. Identifiers: MedGen C4551990, MONDO:0014252, OMIM 615558.
Familial hypercholesterolemia. Also called: Familial hypercholesterolemias; Familial hypercholesterolaemia. Identifiers: MedGen C0020445, MONDO:0005439.
Hypercholesterolemia, familial, 1. Also called: LDL RECEPTOR DISORDER; Hyperlipoproteinemia Type IIa; HYPER-LOW-DENSITY-LIPOPROTEINEMIA; HYPERCHOLESTEROLEMIC XANTHOMATOSIS, FAMILIAL; Fredrickson type IIa hyperlipoproteinemia; Hyperlipoproteinemia type 2. Identifiers: Orphanet 391665, MedGen C0745103, MONDO:0007750, OMIM 143890.
Warfarin response. Also called: Warfarin sensitivity; COUMARIN SENSITIVITY; COUMARIN, POOR METABOLISM OF; WARFARIN RESISTANCE; Coumarin resistance; Coumadin response. Identifiers: MedGen C0750384, MONDO:0007390, OMIM 122700.

Allele frequency attached by ClinVar (database versions not stated): 1000 Genomes Project 0.16933; 1000 Genomes Project 30x 0.17192; TOPMed 0.23990; gnomAD 0.24155; ESP Exome Variant Server 0.25050; ExAC 0.26191; gnomAD exomes 0.30267.
gnomAD v4.1: 476,996 of 1,612,808 alleles (30%); highest among the groups gnomAD compares: Non-Finnish European, 33%; 75,153 homozygotes.

Submissions (23):

Labcorp Genetics (formerly Invitae), Labcorp
Classification: Benign for Familial hypobetalipoproteinemia 1; Hypercholesterolemia, autosomal dominant, type B. Last evaluated: 2026-02-04. Review status: criteria provided, single submitter. Criteria: Invitae Variant Classification Sherloc (09022015). Collection method: clinical testing. Allele origin: germline.

Molecular Diagnostic Laboratory for Inherited Cardiovascular Disease, Montreal Heart Institute
Classification: Benign. Last evaluated: 2025-04-09. Review status: criteria provided, single submitter. Criteria: ACMG Guidelines, 2015. Collection method: clinical testing. Allele origin: germline. Affected: no.

Blueprint Genetics
Classification: Benign. Last evaluated: 2024-11-26. Review status: criteria provided, single submitter. Criteria: ACMG Guidelines, 2015. Collection method: clinical testing. Allele origin: germline.

Cambridge Genomics Laboratory, East Genomic Laboratory Hub, NHS Genomic Medicine Service
Classification: Benign for Familial hypercholesterolaemia. Last evaluated: 2024-10-16. Review status: criteria provided, single submitter. Criteria: ACGS Best Practice Guidelines for Variant Classification in Rare Disease 2020. Collection method: clinical testing. Allele origin: germline. Affected: yes.
Comment: The missense variant NM_000384.2(APOB):c.293C>T (p.Thr98Ile) has been reported to ClinVar as Benign/Likely benign with a status of (2 stars) criteria provided, multiple submitters, no conflicts (Variation ID 128422 as of 2024-05-03). (BP6 - Supporting) | The variant is observed in one or more well-documented healthy adults. (BS2 - Strong) | The p.Thr98Ile variant is observed in 36.267/113.236 (32.0278%) alleles from individuals of gnomAD Non Finnish European background in gnomAD All. The p.Thr98Ile variant is observed in 848/5.008 (16.9329%) alleles from individuals of 1kG All background in 1kG All. The p.Thr98Ile variant is observed in 21.628/67.972 (31.819%) alleles from individuals of gnomAD Genomes v3 Non Finnish European background in gnomAD Genomes v3 All, indicating it is a common benign variant. (BA1 - Standalone)

GENinCode PLC
Classification: Benign for Familial hypercholesterolemia. Last evaluated: 2022-06-23. Review status: criteria provided, single submitter. Criteria: ACMG Guidelines, 2015. Collection method: clinical testing. Allele origin: germline.

Cohesion Phenomics
Classification: Benign for Familial hypercholesterolemia. Last evaluated: 2022-06-06. Review status: criteria provided, single submitter. Criteria: ACMG Guidelines, 2015. Collection method: clinical testing. Allele origin: germline. Inheritance: Autosomal dominant inheritance. Affected: yes. Observed: 6 variant alleles, 4 heterozygotes, 2 homozygotes.
Comment: ACMG Guidelines, 2015; BA1-Allele frequency is >5% in GnomAD_exome

Genome-Nilou Lab
Classification: Benign for Hypercholesterolemia, autosomal dominant, type B. Last evaluated: 2021-07-14. Review status: criteria provided, single submitter. Criteria: ACMG Guidelines, 2015. Collection method: clinical testing. Allele origin: germline. Affected: no.

Genome-Nilou Lab
Classification: Benign for Familial hypobetalipoproteinemia 1. Last evaluated: 2021-07-14. Review status: criteria provided, single submitter. Criteria: ACMG Guidelines, 2015. Collection method: clinical testing. Allele origin: germline. Affected: no.

Color Diagnostics, LLC DBA Color Health
Classification: Benign for Familial hypercholesterolemia. Last evaluated: 2017-06-26. Review status: criteria provided, single submitter. Criteria: ACMG Guidelines, 2015. Collection method: clinical testing. Allele origin: germline.

Illumina Laboratory Services, Illumina
Classification: Likely benign for Familial hypobetalipoproteinemia 1. Last evaluated: 2017-04-27. Review status: criteria provided, single submitter. Criteria: ICSL Variant Classification Criteria 13 December 2019. Collection method: clinical testing. Allele origin: germline.
Comment: This variant was observed as part of a predisposition screen in an ostensibly healthy population. A literature search was performed for the gene, cDNA change, and amino acid change (where applicable). No publications were found based on this search. Allele frequency data from public databases allowed determination this variant is unlikely to cause disease. Therefore, this variant is classified as likely benign.

Illumina Laboratory Services, Illumina
Classification: Likely benign for Hypercholesterolemia, autosomal dominant, type B. Last evaluated: 2017-04-27. Review status: criteria provided, single submitter. Criteria: ICSL Variant Classification Criteria 13 December 2019. Collection method: clinical testing. Allele origin: germline.
Comment: the same text as in the submission from Illumina Laboratory Services, Illumina above.

GeneDx
Classification: Benign. Last evaluated: 2016-10-27. Review status: criteria provided, single submitter. Criteria: GeneDx Variant Classification (06012015). Collection method: clinical testing. Allele origin: germline. Affected: yes.
Comment: This variant is considered likely benign or benign based on one or more of the following criteria: it is a conservative change, it occurs at a poorly conserved position in the protein, it is predicted to be benign by multiple in silico algorithms, and/or has population frequency not consistent with disease.

Cardiovascular Research Group, Instituto Nacional de Saude Doutor Ricardo Jorge
Classification: Benign for Familial hypercholesterolemia. Last evaluated: 2016-03-01. Review status: criteria provided, single submitter. Criteria: ACMG Guidelines, 2015. Collection method: research. Allele origin: germline. Affected: yes.

Laboratory of Genetics and Molecular Cardiology, University of São Paulo
Classification: Benign for Familial hypercholesterolemia. Last evaluated: 2016-03-01. Review status: criteria provided, single submitter. Criteria: ACMG Guidelines, 2015. Collection method: research. Allele origin: germline. Study: HipercolBrasil.

Ambry Genetics
Classification: Benign for Cardiovascular phenotype. Last evaluated: 2015-12-10. Review status: criteria provided, single submitter. Criteria: Ambry Variant Classification Scheme 2023. Collection method: clinical testing. Allele origin: germline.

Mayo Clinic Laboratories, Mayo Clinic
Classification: Benign. Last evaluated: 2014-02-14. Review status: criteria provided, single submitter. Criteria: ACMG Guidelines, 2015. Collection method: clinical testing. Allele origin: germline. Observed: 687 variant alleles.

Breakthrough Genomics
Classification: Likely benign. Review status: criteria provided, single submitter. Criteria: ACMG Guidelines, 2015. Collection method: not provided. Allele origin: germline. Inheritance: Autosomal recessive inheritance. Affected: yes.

PreventionGenetics, part of Exact Sciences
Classification: Likely benign. Review status: criteria provided, single submitter. Criteria: ACMG Guidelines, 2015. Collection method: clinical testing. Allele origin: germline.

Pharmacogenomics Lab, Chungbuk National University
Classification: drug response for Warfarin response. Last evaluated: 2010-08-31. Review status: no assertion criteria provided. Collection method: research. Allele origin: unknown. Affected: yes. Observed: 137 variant alleles. Not counted in ClinVar's aggregate classification.
Comment: In patients receiving warfarin after mechanical valve replacement, A allele carriers of rs1367117 had 8.6 times increased risk of bleeding.

Clinical Genetics, Academic Medical Center
Classification: Benign. Review status: no assertion criteria provided. Collection method: clinical testing. Allele origin: germline. Affected: yes. Study: VKGL Data-share Consensus. Not counted in ClinVar's aggregate classification.

Department of Pathology and Laboratory Medicine, Sinai Health System
Classification: Uncertain significance. Review status: no assertion criteria provided. Collection method: clinical testing. Allele origin: unknown. Affected: yes. Study: The Canadian Open Genetics Repository (COGR). Not counted in ClinVar's aggregate classification.
Comment: multiple AR variants in same gene - keep for nowAllele frequency is common in at least one population database (frequency: 33.711% in TwinsUk) based on the frequency threshold of 1.253% for this gene.Variant was observed in a homozygous state in population databases more than expected for disease.

Diagnostic Laboratory, Department of Genetics, University Medical Center Groningen
Classification: Benign. Review status: no assertion criteria provided. Collection method: clinical testing. Allele origin: germline. Affected: yes. Study: VKGL Data-share Consensus. Not counted in ClinVar's aggregate classification.

Genetic Services Laboratory, University of Chicago
Classification: Likely benign for AllHighlyPenetrant. Review status: no assertion criteria provided. Collection method: clinical testing. Allele origin: germline. Inheritance: Autosomal dominant inheritance. Not counted in ClinVar's aggregate classification.
Comment: Likely benign based on allele frequency in 1000 Genomes Project or ESP global frequency and its presence in a patient with a rare or unrelated disease phenotype. NOT Sanger confirmed.